The following is an entry in ClinVar:

ClinVar aggregate classification (germline): Likely benign. Review status: criteria provided, single submitter (1 of 4 stars). 2 submissions from 2 submitters: Likely benign (1). 1 of the submissions does not count toward it. Last evaluated 2018-06-08.

Conditions:
ATP2C2-related disorder. Also called: ATP2C2-related condition.

Allele frequency attached by ClinVar (database versions not stated): ESP Exome Variant Server 0.00040; TOPMed 0.00081; 1000 Genomes Project 30x 0.00094; 1000 Genomes Project 0.00140.
gnomAD v4.1: 249 of 1,614,172 alleles (0.015%); highest among the groups gnomAD compares: African/African-American, 0.29%; 2 homozygotes.

Submissions (2):

Labcorp Genetics (formerly Invitae), Labcorp
Classification: Likely benign. Last evaluated: 2018-06-08. Review status: criteria provided, single submitter. Criteria: Invitae Variant Classification Sherloc (09022015). Collection method: clinical testing. Allele origin: germline.

PreventionGenetics, part of Exact Sciences
Classification: Likely benign for ATP2C2-related condition. Last evaluated: 2019-12-06. Review status: no assertion criteria provided. Collection method: clinical testing. Allele origin: germline. Not counted in ClinVar's aggregate classification.
Comment: This variant is classified as likely benign based on ACMG/AMP sequence variant interpretation guidelines (Richards et al. 2015 PMID: 25741868, with internal and published modifications).

NM_014861.4(ATP2C2):c.2265G>T (p.Leu755=)

Genes: ATP2C2 (ATPase secretory pathway Ca2+ transporting 2; plus strand), ATP2C2-AS1 (ATP2C2 antisense RNA 1; minus strand). Cytogenetic location: 16q24.1.
Variant type: single nucleotide variant.
Coding change: c.2265G>T on transcript NM_014861.4 (MANE Select); coding-DNA position 2265, G replaced by T.
Protein change: p.Leu755=; no amino-acid change (leucine 755 retained).
Molecular consequence: synonymous variant. On other transcripts: non-coding transcript variant (1).
Genome position (GRCh38, 1-based): chr16:84,459,318, G>T. VCF-style: chr16-84459318-G-T. GRCh37 (hg19) VCF-style: chr16-84492924-G-T.
Other names: c.2265G>T, p.Leu755= (NM_001286527.3); c.1812G>T, p.Leu604= (NM_001291454.2).
Identifiers: ClinVar variation 743472 (VCV000743472.5), dbSNP rs181099197, ClinGen allele CA8208049.